The following is an entry in ClinVar:

NM_000257.4(MYH7):c.5072T>G (p.Val1691Gly)

Genes: MHRT (myosin heavy chain associated RNA transcript; plus strand), MYH7 (myosin heavy chain 7; minus strand), LOC126861897 (BRD4-independent group 4 enhancer GRCh37_chr14:23884455-23885654; plus strand). Cytogenetic location: 14q11.2.
Variant type: single nucleotide variant.
Coding change: c.5072T>G on transcript NM_000257.4 (MANE Select); coding-DNA position 5072, T replaced by G.
Protein change: p.Val1691Gly; replaces valine 1691 with glycine.
Molecular consequence: missense variant. On other transcripts: non-coding transcript variant (1).
Genome position (GRCh38, 1-based): chr14:23,415,714, A>C on the plus strand (T>G on the coding strand, the complement: MYH7 is on the minus strand). VCF-style: chr14-23415714-A-C. GRCh37 (hg19) VCF-style: chr14-23884923-A-C.
Other names: c.5072T>G, p.Val1691Gly (NM_001407004.1); short protein forms V1691G.
Identifiers: ClinVar variation 3072351 (VCV003072351.1), dbSNP rs2502242656, ClinGen allele CA389037018.

ClinVar aggregate classification (germline): Uncertain significance (1 of 4 stars; one submission).

Conditions:
Cardiomyopathy (CMYO). Also called: Cardiomyopathies. Identifiers: Orphanet 167848, MedGen C0878544, MONDO:0004994, HP:0001638. Inheritance: Various modes of inheritance.

Submission:

All of Us Research Program, National Institutes of Health
Classification: Uncertain significance for Cardiomyopathy. Last evaluated: 2023-07-10. Review status: criteria provided, single submitter. Criteria: ACMG Guidelines, 2015. Collection method: clinical testing. Allele origin: germline. Inheritance: Autosomal dominant inheritance. Observed: 1 variant allele, 1 heterozygote.
Comment: This missense variant replaces valine with glycine at codon 1691 of the MYH7 protein. Computational prediction suggests that this variant may not impact protein structure and function (internally defined REVEL score threshold <= 0.5, PMID: 27666373). To our knowledge, functional studies have not been reported for this variant. This variant has not been reported in individuals affected with MYH7-related disorders in the literature. This variant has not been identified in the general population by the Genome Aggregation Database (gnomAD). The available evidence is insufficient to determine the role of this variant in disease conclusively. Therefore, this variant is classified as a Variant of Uncertain Significance.

This study involves interpretation of variants in research participants for the purpose of population health screening. Participant phenotype was not available at the time of variant classification. Additional details can be found in publication PMID: 35346344, PMCID: PMC8962531